The following is an entry in ClinVar:

ClinVar aggregate classification (germline): Uncertain significance (1 of 4 stars; one submission).

Submission:

GeneDx
Classification: Uncertain significance. Last evaluated: 2025-01-11. Review status: criteria provided, single submitter. Criteria: GeneDx Variant Classification Process June 2021. Collection method: clinical testing. Allele origin: germline. Affected: yes.
Comment: In silico analysis supports that this missense variant has a deleterious effect on protein structure/function; Not observed at significant frequency in large population cohorts (gnomAD); Has not been previously published as pathogenic or benign to our knowledge

NM_133433.4(NIPBL):c.3566C>T (p.Thr1189Ile)

Gene: NIPBL (NIPBL cohesin loading factor; plus strand). Cytogenetic location: 5p13.2.
Variant type: single nucleotide variant.
Coding change: c.3566C>T on transcript NM_133433.4 (MANE Select); coding-DNA position 3566, C replaced by T.
Protein change: p.Thr1189Ile; replaces threonine 1189 with isoleucine.
Molecular consequence: missense variant.
Genome position (GRCh38, 1-based): chr5:37,000,880, C>T. VCF-style: chr5-37000880-C-T. GRCh37 (hg19) VCF-style: chr5-37000982-C-T.
Other names: c.3566C>T, p.Thr1189Ile (NM_015384.5); short protein forms T1189I.
Identifiers: ClinVar variation 4057122 (VCV004057122.1).